The following is an entry in ClinVar:

NM_000179.3(MSH6):c.1463C>T (p.Thr488Ile)

Gene: MSH6 (mutS homolog 6; plus strand). Cytogenetic location: 2p16.3.
Variant type: single nucleotide variant.
Coding change: c.1463C>T on transcript NM_000179.3 (MANE Select); coding-DNA position 1463, C replaced by T.
Protein change: p.Thr488Ile; replaces threonine 488 with isoleucine.
Molecular consequence: missense variant.
Genome position (GRCh38, 1-based): chr2:47,799,446, C>T. VCF-style: chr2-47799446-C-T. GRCh37 (hg19) VCF-style: chr2-48026585-C-T.
Other names: c.1073C>T, p.Thr358Ile (NM_001281492.2); c.557C>T, p.Thr186Ile (NM_001281493.2, NM_001281494.2); short protein forms T488I, T358I, T186I.
Identifiers: ClinVar variation 483813 (VCV000483813.15), dbSNP rs1453645523, ClinGen allele CA346745810.

ClinVar aggregate classification (germline): Uncertain significance. Review status: criteria provided, multiple submitters, no conflicts (2 of 4 stars). 2 submissions from 2 submitters: Uncertain significance (2). Last evaluated 2024-12-18.

Conditions:
Hereditary nonpolyposis colorectal neoplasms. Identifiers: MedGen C0009405, MeSH D003123.
Hereditary cancer-predisposing syndrome. Also called: Neoplastic Syndromes, Hereditary; Tumor predisposition; Hereditary Cancer Syndrome; Hereditary neoplastic syndrome. Identifiers: Orphanet 140162, MedGen C0027672, MeSH D009386, MONDO:0015356.

Allele frequency attached by ClinVar (database versions not stated): gnomAD exomes below 0.00001.
gnomAD v4.1: 2 of 1,614,066 alleles (0.00012%); highest among the groups gnomAD compares: Non-Finnish European, 0.00017%; no homozygotes.

Submissions (2):

Labcorp Genetics (formerly Invitae), Labcorp
Classification: Uncertain significance for Hereditary nonpolyposis colorectal neoplasms. Last evaluated: 2024-12-18. Review status: criteria provided, single submitter. Criteria: Invitae Variant Classification Sherloc (09022015). Collection method: clinical testing. Allele origin: germline.
Comment: This sequence change replaces threonine, which is neutral and polar, with isoleucine, which is neutral and non-polar, at codon 488 of the MSH6 protein (p.Thr488Ile). This variant is not present in population databases (gnomAD no frequency). This variant has not been reported in the literature in individuals affected with MSH6-related conditions. ClinVar contains an entry for this variant (Variation ID: 483813). Invitae Evidence Modeling of protein sequence and biophysical properties (such as structural, functional, and spatial information, amino acid conservation, physicochemical variation, residue mobility, and thermodynamic stability) has been performed for this missense variant. However, the output from this modeling did not meet the statistical confidence thresholds required to predict the impact of this variant on MSH6 protein function. In summary, the available evidence is currently insufficient to determine the role of this variant in disease. Therefore, it has been classified as a Variant of Uncertain Significance.

Ambry Genetics
Classification: Uncertain significance for Hereditary cancer-predisposing syndrome. Last evaluated: 2024-12-13. Review status: criteria provided, single submitter. Criteria: Ambry Variant Classification Scheme 2023. Collection method: clinical testing. Allele origin: germline.
Comment: The p.T488I variant (also known as c.1463C>T), located in coding exon 4 of the MSH6 gene, results from a C to T substitution at nucleotide position 1463. The threonine at codon 488 is replaced by isoleucine, an amino acid with similar properties. This amino acid position is highly conserved in available vertebrate species. In addition, this alteration is predicted to be deleterious by in silico analysis. Based on the available evidence, the clinical significance of this variant remains unclear.